The following is an entry in ClinVar:

ClinVar aggregate classification (germline): Uncertain significance (1 of 4 stars; one submission).

Conditions:
Periodic fever-infantile enterocolitis-autoinflammatory syndrome. Also called: Autoinflammation with infantile enterocolitis. Identifiers: Orphanet 436166, MedGen C4015067, MONDO:0014472, OMIM 616050.
Familial cold autoinflammatory syndrome 4 (FCAS4). Identifiers: Orphanet 47045, Orphanet 576349, MedGen C4015276, MONDO:0014498, OMIM 616115.

Allele frequency attached by ClinVar (database versions not stated): gnomAD exomes below 0.00001.
gnomAD v4.1: 1 of 1,602,682 alleles (0.000062%); highest among the groups gnomAD compares: Admixed American, 0.0017%; no homozygotes.

Submission:

Labcorp Genetics (formerly Invitae), Labcorp
Classification: Uncertain significance for Periodic fever-infantile enterocolitis-autoinflammatory syndrome; Familial cold autoinflammatory syndrome 4. Last evaluated: 2021-06-28. Review status: criteria provided, single submitter. Criteria: Invitae Variant Classification Sherloc (09022015). Collection method: clinical testing. Allele origin: germline.
Comment: This sequence change replaces glycine with valine at codon 96 of the NLRC4 protein (p.Gly96Val). The glycine residue is weakly conserved and there is a moderate physicochemical difference between glycine and valine. This variant is not present in population databases (ExAC no frequency). This variant has not been reported in the literature in individuals with NLRC4-related conditions. Algorithms developed to predict the effect of missense changes on protein structure and function (SIFT, PolyPhen-2, Align-GVGD) all suggest that this variant is likely to be tolerated, but these predictions have not been confirmed by published functional studies and their clinical significance is uncertain. In summary, the available evidence is currently insufficient to determine the role of this variant in disease. Therefore, it has been classified as a Variant of Uncertain Significance.

NM_001199138.2(NLRC4):c.287G>T (p.Gly96Val)

Gene: NLRC4 (NLR family CARD domain containing 4; minus strand). Cytogenetic location: 2p22.3.
Variant type: single nucleotide variant.
Coding change: c.287G>T on transcript NM_001199138.2 (MANE Select); coding-DNA position 287, G replaced by T.
Protein change: p.Gly96Val; replaces glycine 96 with valine.
Molecular consequence: missense variant. On other transcripts: intron variant (1).
Genome position (GRCh38, 1-based): chr2:32,251,577, C>A on the plus strand (G>T on the coding strand, the complement: NLRC4 is on the minus strand). VCF-style: chr2-32251577-C-A. GRCh37 (hg19) VCF-style: chr2-32476646-C-A.
Other names: c.287G>T, p.Gly96Val (NM_001199139.2, NM_021209.5); c.262+842G>T (NM_001302504.1); short protein forms G96V.
Identifiers: ClinVar variation 649583 (VCV000649583.8), dbSNP rs1558458628, ClinGen allele CA346516556.